The following is an entry in ClinVar:

ClinVar aggregate classification (germline): Uncertain significance (1 of 4 stars; one submission).

Submission:

GeneDx
Classification: Uncertain significance. Last evaluated: 2017-04-10. Review status: criteria provided, single submitter. Criteria: GeneDx Variant Classification (06012015). Collection method: clinical testing. Allele origin: germline. Affected: yes.
Comment: The S190F variant of uncertain significance in the BAG3 gene has not been published as a pathogenic or benignvariant to our knowledge. This variant was not observed in approximately 6,500 individuals of European and AfricanAmerican ancestry in the NHLBI Exome Sequencing Project, indicating it is not a common benign variant in thesepopulations. The S190F variant is a non-conservative amino acid substitution, which is likely to impact secondaryprotein structure as these residues differ in polarity, charge, size and/or other properties. In silico analysis also predictsthis variant is probably damaging to the protein structure/function. Nevertheless, this substitution occurs at a positionthat is not conserved.Therefore, based on the currently available information, it is unclear whether this variant is pathogenic or benign.

NM_004281.4(BAG3):c.569C>T (p.Ser190Phe)

Gene: BAG3 (BAG cochaperone 3; plus strand). Cytogenetic location: 10q26.11.
Variant type: single nucleotide variant.
Coding change: c.569C>T on transcript NM_004281.4 (MANE Select); coding-DNA position 569, C replaced by T.
Protein change: p.Ser190Phe; replaces serine 190 with phenylalanine.
Molecular consequence: missense variant.
Genome position (GRCh38, 1-based): chr10:119,672,316, C>T. VCF-style: chr10-119672316-C-T. GRCh37 (hg19) VCF-style: chr10-121431828-C-T.
Other names: short protein forms S190F.
Identifiers: ClinVar variation 389542 (VCV000389542.2), dbSNP rs1057523462, ClinGen allele CA16606637.